The following is an entry in ClinVar:

NM_001042492.3(NF1):c.6088_6092delinsCAC (p.Val2030fs)

Gene: NF1 (neurofibromin 1; plus strand). Cytogenetic location: 17q11.2.
Variant type: Indel.
Coding change: c.6088_6092delinsCAC on transcript NM_001042492.3 (MANE Select); coding-DNA positions 6088 to 6092, GTGAT replaced by CAC.
Protein change: p.Val2030fs; shifts the reading frame from valine 2030.
Molecular consequence: frameshift variant.
Genome position (GRCh38, 1-based): chr17:31,336,414-31,336,418, GTGAT replaced by CAC. VCF-style: chr17-31336414-GTGAT-CAC. GRCh37 (hg19) VCF-style: chr17-29663432-GTGAT-CAC.
Other names: c.6025_6029delGTGATinsCAC (NM_000267.3); c.6025_6029delGTGATinsCAC, p.Val2009Hisfs (NM_000267.4); short protein forms V2009fs, V2030fs.
Identifiers: ClinVar variation 1751144 (VCV001751144.2), dbSNP rs2508745167, ClinGen allele CA2580093048.
Genomic context (GRCh38, chr17:31,336,414, plus strand): 5'-GTACTAGACAGTTTCATCAAAACCAGTGCAACAGGTGGCTTGGGATCAATAAAAGCTGAG[GTGAT>CAC]GGCAGATACTGCTGTAGCTTTGGCTTCTGGAAATGTGAAATTGGTTTCAAGCAAGGTAAT-3'

ClinVar aggregate classification (germline): Pathogenic (1 of 4 stars; one submission).

Conditions:
Cardiovascular phenotype. Identifiers: MedGen CN230736.
Hereditary cancer-predisposing syndrome. Also called: Hereditary Cancer Syndrome; Hereditary neoplastic syndrome; Neoplastic Syndromes, Hereditary; Tumor predisposition. Identifiers: Orphanet 140162, MedGen C0027672, MeSH D009386, MONDO:0015356.

Submission:

Ambry Genetics
Classification: Pathogenic for Cardiovascular phenotype; Hereditary cancer-predisposing syndrome. Last evaluated: 2018-12-26. Review status: criteria provided, single submitter. Criteria: Ambry Variant Classification Scheme 2023. Collection method: clinical testing. Allele origin: germline.
Comment: The c.6025_6029delGTGATinsCAC pathogenic mutation, located in coding exon 40 of the NF1 gene, results from the deletion of 5 nucleotides and insertion of 3 nucleotides causing a translational frameshift with a predicted alternate stop codon (p.V2009Hfs*29). This alteration is expected to result in loss of function by premature protein truncation or nonsense-mediated mRNA decay. As such, this alteration is interpreted as a disease-causing mutation.